The following is an entry in ClinVar:

NM_001298.3(CNGA3):c.477C>T (p.Ile159=)

Gene: CNGA3 (cyclic nucleotide gated channel subunit alpha 3; plus strand). Cytogenetic location: 2q11.2.
Variant type: single nucleotide variant.
Coding change: c.477C>T on transcript NM_001298.3 (MANE Select); coding-DNA position 477, C replaced by T.
Protein change: p.Ile159=; no amino-acid change (isoleucine 159 retained).
Molecular consequence: synonymous variant.
Genome position (GRCh38, 1-based): chr2:98,389,685, C>T. VCF-style: chr2-98389685-C-T. GRCh37 (hg19) VCF-style: chr2-99006148-C-T.
Other names: c.477C>T (NM_001298.2); c.423C>T, p.Ile141= (NM_001079878.2).
Identifiers: ClinVar variation 1098031 (VCV001098031.11), dbSNP rs150944260, ClinGen allele CA1793770.

ClinVar aggregate classification (germline): Likely benign. Review status: criteria provided, multiple submitters, no conflicts (2 of 4 stars). 3 submissions from 3 submitters: Likely benign (3). Last evaluated 2025-12-23.

Conditions:
CNGA3-related disorder. Also called: CNGA3-related condition.

Allele frequency attached by ClinVar (database versions not stated): ESP Exome Variant Server 0.00008; TOPMed 0.00011; gnomAD 0.00012 and 0.00015; ExAC 0.00020; gnomAD exomes 0.00020.
gnomAD v4.1: 179 of 1,613,868 alleles (0.011%); highest among the groups gnomAD compares: South Asian, 0.14%; 1 homozygote.

Submissions (3):

Labcorp Genetics (formerly Invitae), Labcorp
Classification: Likely benign. Last evaluated: 2025-12-23. Review status: criteria provided, single submitter. Criteria: Invitae Variant Classification Sherloc (09022015). Collection method: clinical testing. Allele origin: germline.

PreventionGenetics, part of Exact Sciences
Classification: Likely benign for CNGA3-related condition. Last evaluated: 2025-02-17. Review status: criteria provided, single submitter. Criteria: ACMG Guidelines, 2015. Collection method: clinical testing. Allele origin: germline.
Comment: This variant is classified as likely benign based on ACMG/AMP sequence variant interpretation guidelines (Richards et al. 2015 PMID: 25741868, with internal and published modifications).

Blueprint Genetics
Classification: Likely benign. Last evaluated: 2024-06-10. Review status: criteria provided, single submitter. Criteria: ACMG Guidelines, 2015. Collection method: clinical testing. Allele origin: germline.